The following is an entry in ClinVar:

NM_001289808.2(CRYAB):c.174C>A (p.Pro58=)

Gene: CRYAB (crystallin alpha B; minus strand). Cytogenetic location: 11q23.1.
Variant type: single nucleotide variant.
Coding change: c.174C>A on transcript NM_001289808.2 (MANE Select); coding-DNA position 174, C replaced by A.
Protein change: p.Pro58=; no amino-acid change (proline 58 retained).
Molecular consequence: synonymous variant.
Genome position (GRCh38, 1-based): chr11:111,911,551, G>T on the plus strand (C>A on the coding strand, the complement: CRYAB is on the minus strand). VCF-style: chr11-111911551-G-T. GRCh37 (hg19) VCF-style: chr11-111782275-G-T.
Other names: c.174C>A (NM_001885.1); c.174C>A, p.Pro58= (NM_001289807.1, NM_001368245.1, NM_001885.3).
Identifiers: ClinVar variation 696164 (VCV000696164.13), dbSNP rs782151852, ClinGen allele CA6275560.
Genomic context (GRCh38, chr11:111,911,551, plus strand): 5'-GGACTCTCCCGTCCTAGCTGTGGGGAGACTCACCTCTGAGAGTCCAGTGTCAAACCAGCT[G>T]GGTGCCCGCAGGAAGGAGGGTGGCCGAAGGTAGAAGGGACTCAGGGAAGTAGACGTCGGG-3'
Protein context (NP_001276737.1, residues 48-68): YLRPPSFLRA[Pro58=]SWFDTGLSEM

ClinVar aggregate classification (germline): Likely benign. Review status: criteria provided, multiple submitters, no conflicts (2 of 4 stars). 3 submissions from 3 submitters: Likely benign (2). 1 of the submissions does not count toward it. Last evaluated 2026-01-01.

Conditions:
CRYAB-related disorder. Also called: CRYAB-related condition.
Cardiovascular phenotype. Identifiers: MedGen CN230736.
Dilated cardiomyopathy 1II (CMD1II). Identifiers: Orphanet 154, MedGen C3554649, MONDO:0014073, OMIM 615184.

Allele frequency attached by ClinVar (database versions not stated): gnomAD 0.00002; TOPMed 0.00002; ExAC 0.00004; gnomAD exomes 0.00007.
gnomAD v4.1: 29 of 1,612,362 alleles (0.0018%); highest among the groups gnomAD compares: Admixed American, 0.047%; no homozygotes.

Submissions (3):

Labcorp Genetics (formerly Invitae), Labcorp
Classification: Likely benign for Dilated cardiomyopathy 1II. Last evaluated: 2026-01-01. Review status: criteria provided, single submitter. Criteria: Invitae Variant Classification Sherloc (09022015). Collection method: clinical testing. Allele origin: germline.

Ambry Genetics
Classification: Likely benign for Cardiovascular phenotype. Last evaluated: 2024-05-02. Review status: criteria provided, single submitter. Criteria: Ambry Variant Classification Scheme 2023. Collection method: clinical testing. Allele origin: germline.

PreventionGenetics, part of Exact Sciences
Classification: Likely benign for CRYAB-related condition. Last evaluated: 2023-08-04. Review status: no assertion criteria provided. Collection method: clinical testing. Allele origin: germline. Not counted in ClinVar's aggregate classification.
Comment: This variant is classified as likely benign based on ACMG/AMP sequence variant interpretation guidelines (Richards et al. 2015 PMID: 25741868, with internal and published modifications).